The following is an entry in ClinVar:

ClinVar aggregate classification (germline): Uncertain significance. Review status: criteria provided, multiple submitters, no conflicts (2 of 4 stars). 4 submissions from 4 submitters: Uncertain significance (4). Last evaluated 2024-12-02.

Conditions:
Inborn genetic diseases. Identifiers: MedGen C0950123, MeSH D030342.
Developmental and epileptic encephalopathy, 18 (DEE18). Also called: Early infantile epileptic encephalopathy 18. Identifiers: Orphanet 369894, MedGen C3809624, MONDO:0014201, OMIM 615476.

Allele frequency attached by ClinVar (database versions not stated): gnomAD 0.00001; gnomAD exomes 0.00001; TOPMed 0.00002.
gnomAD v4.1: 12 of 1,613,786 alleles (0.00074%); highest among the groups gnomAD compares: Non-Finnish European, 0.00085%; no homozygotes.

Submissions (4):

Labcorp Genetics (formerly Invitae), Labcorp
Classification: Uncertain significance. Last evaluated: 2024-12-02. Review status: criteria provided, single submitter. Criteria: Invitae Variant Classification Sherloc (09022015). Collection method: clinical testing. Allele origin: germline.
Comment: This sequence change replaces glycine, which is neutral and non-polar, with arginine, which is basic and polar, at codon 2249 of the SZT2 protein (p.Gly2249Arg). This variant is present in population databases (rs200675254, gnomAD 0.002%). This variant has not been reported in the literature in individuals affected with SZT2-related conditions. ClinVar contains an entry for this variant (Variation ID: 1046146). Invitae Evidence Modeling of protein sequence and biophysical properties (such as structural, functional, and spatial information, amino acid conservation, physicochemical variation, residue mobility, and thermodynamic stability) has been performed for this missense variant. However, the output from this modeling did not meet the statistical confidence thresholds required to predict the impact of this variant on SZT2 protein function. In summary, the available evidence is currently insufficient to determine the role of this variant in disease. Therefore, it has been classified as a Variant of Uncertain Significance.

Genome-Nilou Lab
Classification: Uncertain significance for Developmental and epileptic encephalopathy, 18. Last evaluated: 2023-04-11. Review status: criteria provided, single submitter. Criteria: ACMG Guidelines, 2015. Collection method: clinical testing. Allele origin: germline. Affected: no.

Ambry Genetics
Classification: Uncertain significance for Inborn genetic diseases. Last evaluated: 2023-04-06. Review status: criteria provided, single submitter. Criteria: Ambry Variant Classification Scheme 2023. Collection method: clinical testing. Allele origin: germline.

GeneDx
Classification: Uncertain significance. Last evaluated: 2022-03-17. Review status: criteria provided, single submitter. Criteria: GeneDx Variant Classification Process June 2021. Collection method: clinical testing. Allele origin: germline. Affected: yes.
Comment: Not observed at significant frequency in large population cohorts (gnomAD); In silico analysis supports that this missense variant has a deleterious effect on protein structure/function; Has not been previously published as pathogenic or benign to our knowledge

NM_001365999.1(SZT2):c.6916G>C (p.Gly2306Arg)

Gene: SZT2 (SZT2 subunit of KICSTOR complex; plus strand). Cytogenetic location: 1p34.2.
Variant type: single nucleotide variant.
Coding change: c.6916G>C on transcript NM_001365999.1 (MANE Select); coding-DNA position 6916, G replaced by C.
Protein change: p.Gly2306Arg; replaces glycine 2306 with arginine.
Molecular consequence: missense variant.
Genome position (GRCh38, 1-based): chr1:43,439,643, G>C. VCF-style: chr1-43439643-G-C. GRCh37 (hg19) VCF-style: chr1-43905314-G-C.
Other names: c.6745G>C, p.Gly2249Arg (NM_015284.4); short protein forms G2249R, G2306R.
Identifiers: ClinVar variation 1046146 (VCV001046146.12), dbSNP rs200675254, ClinGen allele CA21645058.